The following is an entry in ClinVar:

NM_000051.4(ATM):c.247T>C (p.Ser83Pro)

Gene: ATM (ATM serine/threonine kinase; plus strand). Cytogenetic location: 11q22.3.
Variant type: single nucleotide variant.
Coding change: c.247T>C on transcript NM_000051.4 (MANE Select); coding-DNA position 247, T replaced by C.
Protein change: p.Ser83Pro; replaces serine 83 with proline.
Molecular consequence: missense variant.
Genome position (GRCh38, 1-based): chr11:108,229,239, T>C. VCF-style: chr11-108229239-T-C. GRCh37 (hg19) VCF-style: chr11-108099966-T-C.
Other names: c.247T>C, p.Ser83Pro (NM_001351834.2, NM_001351835.2, NM_001351836.2); short protein forms S83P.
Identifiers: ClinVar variation 3383761 (VCV003383761.1).

ClinVar aggregate classification (germline): Uncertain significance (1 of 4 stars; one submission).

Submission:

GeneDx
Classification: Uncertain significance. Last evaluated: 2024-05-30. Review status: criteria provided, single submitter. Criteria: GeneDx Variant Classification Process June 2021. Collection method: clinical testing. Allele origin: germline. Affected: yes.
Comment: Not observed at significant frequency in large population cohorts (gnomAD); In silico analysis supports that this missense variant has a deleterious effect on protein structure/function; Has not been previously published as pathogenic or benign to our knowledge